The following is an entry in ClinVar:

NM_005629.4(SLC6A8):c.1478T>G (p.Val493Gly)

Gene: SLC6A8 (solute carrier family 6 member 8; plus strand). Cytogenetic location: Xq28.
Variant type: single nucleotide variant.
Coding change: c.1478T>G on transcript NM_005629.4 (MANE Select); coding-DNA position 1478, T replaced by G.
Protein change: p.Val493Gly; replaces valine 493 with glycine.
Molecular consequence: missense variant.
Genome position (GRCh38, 1-based): chrX:153,694,429, T>G. VCF-style: chrX-153694429-T-G. GRCh37 (hg19) VCF-style: chrX-152959884-T-G.
Other names: c.1448T>G, p.Val483Gly (NM_001142805.2); c.1133T>G, p.Val378Gly (NM_001142806.1); short protein forms V378G, V483G, V493G.
Identifiers: ClinVar variation 3340866 (VCV003340866.1).
Genomic context (GRCh38, chrX:153,694,429, plus strand): 5'-TTGACTACTACTCGGCCAGCGGCACCACCCTGCTCTGGCAGGCCTTTTGGGAGTGCGTGG[T>G]GGTGGCCTGGGTGTACGGTAGGTCATGGCTGAGGGCTGGGCTGGGGGATGGTGGCGGGGA-3'
Protein context (NP_005620.1, residues 483-503): LLWQAFWECV[Val493Gly]VAWVYGADRF

ClinVar aggregate classification (germline): Uncertain significance (1 of 4 stars; one submission).

Submission:

GeneDx
Classification: Uncertain significance. Last evaluated: 2023-08-16. Review status: criteria provided, single submitter. Criteria: GeneDx Variant Classification Process June 2021. Collection method: clinical testing. Allele origin: germline. Affected: yes.
Comment: Not observed at significant frequency in large population cohorts (gnomAD); In silico analysis supports that this missense variant has a deleterious effect on protein structure/function; In silico analysis suggests this variant may impact gene splicing. In the absence of RNA/functional studies, the actual effect of this sequence change is unknown.; Has not been previously published as pathogenic or benign to our knowledge